The following is an entry in ClinVar:

NM_001267550.2(TTN):c.64093+4A>C

Genes: TTN (titin; minus strand), TTN-AS1 (TTN antisense RNA 1; plus strand). Cytogenetic location: 2q31.2.
Variant type: single nucleotide variant.
Coding change: c.64093+4A>C on transcript NM_001267550.2 (MANE Select); 4 bases into the intron after coding-DNA position 64093, A replaced by C.
Molecular consequence: intron variant.
Genome position (GRCh38, 1-based): chr2:178,587,114, T>G on the plus strand (A>C on the coding strand, the complement: TTN is on the minus strand). VCF-style: chr2-178587114-T-G. GRCh37 (hg19) VCF-style: chr2-179451841-T-G.
Other names: c.36898+4A>C (NM_003319.4); c.37474+4A>C (NM_133437.4); c.37273+4A>C (NM_133432.3); c.56389+4A>C (NM_133378.4); c.59170+4A>C (NM_001256850.1).
Identifiers: ClinVar variation 2081620 (VCV002081620.4), dbSNP rs1043220026, ClinGen allele CA60964905.

ClinVar aggregate classification (germline): Uncertain significance (1 of 4 stars; one submission).

Conditions:
Dilated cardiomyopathy 1G (CMD1G). Identifiers: Orphanet 154, MedGen C1858763, MONDO:0011400, OMIM 604145.
Autosomal recessive limb-girdle muscular dystrophy type 2J (LGMDR10). Also called: Limb-girdle muscular dystrophy, type 2J; MUSCULAR DYSTROPHY, LIMB-GIRDLE, AUTOSOMAL RECESSIVE 10. Identifiers: Orphanet 140922, MedGen C1837342, MONDO:0012127, OMIM 608807.

gnomAD v4.1: 2 of 1,613,084 alleles (0.00012%); no homozygotes.

Submission:

Labcorp Genetics (formerly Invitae), Labcorp
Classification: Uncertain significance for Dilated cardiomyopathy 1G; Autosomal recessive limb-girdle muscular dystrophy type 2J. Last evaluated: 2023-12-06. Review status: criteria provided, single submitter. Criteria: Invitae Variant Classification Sherloc (09022015). Collection method: clinical testing. Allele origin: germline.
Comment: This sequence change falls in intron 307 of the TTN gene. It does not directly change the encoded amino acid sequence of the TTN protein. It affects a nucleotide within the consensus splice site. This variant is not present in population databases (gnomAD no frequency). This variant has not been reported in the literature in individuals affected with TTN-related conditions. ClinVar contains an entry for this variant (Variation ID: 2081620). Variants that disrupt the consensus splice site are a relatively common cause of aberrant splicing (PMID: 17576681, 9536098). Algorithms developed to predict the effect of sequence changes on RNA splicing suggest that this variant is not likely to affect RNA splicing. This variant is located in the A band of TTN (PMID: 25589632). Variants in this region may be relevant for cardiac or neuromuscular disorders (PMID: 25589632, 23975875). In summary, the available evidence is currently insufficient to determine the role of this variant in disease. Therefore, it has been classified as a Variant of Uncertain Significance.

Literature cited by the submitters: PubMed 17576681; PubMed 9536098; PubMed 25589632; PubMed 23975875.